The following is an entry in ClinVar:

NM_001044.5(SLC6A3):c.1561C>T (p.Arg521Trp)

Gene: SLC6A3 (solute carrier family 6 member 3). Cytogenetic location: 5p15.33.
Variant type: single nucleotide variant.
Coding change: c.1561C>T on transcript NM_001044.5 (MANE Select); coding-DNA position 1561, C replaced by T.
Protein change: p.Arg521Trp; replaces arginine 521 with tryptophan.
Molecular consequence: missense variant.
Genome position (GRCh38, 1-based): chr5:1,406,226, G>A on the plus strand (C>T on the coding strand, the complement: SLC6A3 is on the minus strand). VCF-style: chr5-1406226-G-A. GRCh37 (hg19) VCF-style: chr5-1406341-G-A.
Other names: short protein forms R521W.
Identifiers: ClinVar variation 97018 (VCV000097018.8), dbSNP rs431905516, ClinGen allele CA149716.

ClinVar aggregate classification (germline): Conflicting classifications of pathogenicity. Review status: criteria provided, conflicting classifications (1 of 4 stars). 3 submissions from 3 submitters: Likely pathogenic (1); Uncertain significance (1). 1 of the submissions does not count toward it. Last evaluated 2022-12-06.

Conditions:
Parkinsonism-dystonia, infantile. Identifiers: Orphanet 238455, MedGen C2751067, MONDO:0013150.
Classic dopamine transporter deficiency syndrome (PKDYS1). Also called: DOPAMINE TRANSPORTER DEFICIENCY SYNDROME; Parkinsonism-dystonia, infantile, 1. Identifiers: Orphanet 238455, MedGen C5700336, MONDO:0054835, OMIM 613135.

Allele frequency attached by ClinVar (database versions not stated): ExAC 0.00001; gnomAD exomes 0.00001; TOPMed 0.00001.
gnomAD v4.1: 6 of 1,612,954 alleles (0.00037%); highest among the groups gnomAD compares: South Asian, 0.0011%; no homozygotes.

Submissions (3):

Labcorp Genetics (formerly Invitae), Labcorp
Classification: Uncertain significance for Parkinsonism-dystonia, infantile. Last evaluated: 2022-12-06. Review status: criteria provided, single submitter. Criteria: Invitae Variant Classification Sherloc (09022015). Collection method: clinical testing. Allele origin: germline.
Comment: Experimental studies have shown that this missense change affects SLC6A3 function (PMID: 21112253). In summary, the available evidence is currently insufficient to determine the role of this variant in disease. Therefore, it has been classified as a Variant of Uncertain Significance. Advanced modeling of protein sequence and biophysical properties (such as structural, functional, and spatial information, amino acid conservation, physicochemical variation, residue mobility, and thermodynamic stability) performed at Invitae indicates that this missense variant is not expected to disrupt SLC6A3 protein function. ClinVar contains an entry for this variant (Variation ID: 97018). This missense change has been observed in individual(s) with dopamine transporter deficiency syndrome (PMID: 21112253). This variant is present in population databases (rs431905516, gnomAD 0.003%). This sequence change replaces arginine, which is basic and polar, with tryptophan, which is neutral and slightly polar, at codon 521 of the SLC6A3 protein (p.Arg521Trp).

Revvity Omics, Revvity
Classification: Likely pathogenic for Classic dopamine transporter deficiency syndrome. Last evaluated: 2019-02-22. Review status: criteria provided, single submitter. Criteria: ACMG Guidelines, 2015. Collection method: clinical testing. Allele origin: germline.

OMIM
Classification: Pathogenic for PARKINSONISM-DYSTONIA, INFANTILE, 1. Last evaluated: 2011-01-01. Review status: no assertion criteria provided. Collection method: literature only. Allele origin: germline. Not counted in ClinVar's aggregate classification.

Literature cited by the submitters: PubMed 21112253 (cited by Labcorp Genetics (formerly Invitae), Labcorp and OMIM).